The following is an entry in ClinVar:

ClinVar aggregate classification (germline): Conflicting classifications of pathogenicity. Review status: criteria provided, conflicting classifications (1 of 4 stars). 5 submissions from 5 submitters: Uncertain significance (4); Likely benign (1). Last evaluated 2026-05-14.

Conditions:
POLE-related disorder. Also called: POLE-related disorders; POLE-related condition.
Hereditary cancer-predisposing syndrome. Also called: Neoplastic Syndromes, Hereditary; Hereditary neoplastic syndrome; Hereditary Cancer Syndrome; Tumor predisposition. Identifiers: Orphanet 140162, MedGen C0027672, MeSH D009386, MONDO:0015356.

Allele frequency attached by ClinVar (database versions not stated): gnomAD 0.00001; TOPMed 0.00001; ExAC 0.00002; gnomAD exomes 0.00002.
gnomAD v4.1: 42 of 1,614,014 alleles (0.0026%); highest among the groups gnomAD compares: South Asian, 0.0044%; no homozygotes.

Submissions (5):

PreventionGenetics, part of Exact Sciences
Classification: Uncertain significance for POLE-related condition. Last evaluated: 2026-05-14. Review status: criteria provided, single submitter. Criteria: ACMG Guidelines, 2015. Collection method: clinical testing. Allele origin: germline.
Comment: The POLE c.73G>A variant is predicted to result in the amino acid substitution p.Ala25Thr. To our knowledge, this variant has not been reported in the literature. This variant is reported in 0.0065% of alleles in individuals of South Asian descent in gnomAD. At this time, the clinical significance of this variant is uncertain due to the absence of conclusive functional and genetic evidence.

Labcorp Genetics (formerly Invitae), Labcorp
Classification: Uncertain significance. Last evaluated: 2025-12-21. Review status: criteria provided, single submitter. Criteria: Invitae Variant Classification Sherloc (09022015). Collection method: clinical testing. Allele origin: germline.
Comment: This sequence change replaces alanine, which is neutral and non-polar, with threonine, which is neutral and polar, at codon 25 of the POLE protein (p.Ala25Thr). This variant is present in population databases (rs773204331, gnomAD 0.006%). This variant has not been reported in the literature in individuals affected with POLE-related conditions. ClinVar contains an entry for this variant (Variation ID: 246425). An algorithm developed to predict the effect of missense changes on protein structure and function (PolyPhen-2) suggests that this variant is likely to be tolerated. In summary, the available evidence is currently insufficient to determine the role of this variant in disease. Therefore, it has been classified as a Variant of Uncertain Significance.

Ambry Genetics
Classification: Likely benign for Hereditary cancer-predisposing syndrome. Last evaluated: 2024-12-16. Review status: criteria provided, single submitter. Criteria: Ambry Variant Classification Scheme 2023. Collection method: clinical testing. Allele origin: germline.

Quest Diagnostics Nichols Institute San Juan Capistrano
Classification: Uncertain significance. Last evaluated: 2019-03-27. Review status: criteria provided, single submitter. Criteria: Quest Diagnostics criteria. Collection method: clinical testing. Allele origin: germline.

GeneDx
Classification: Uncertain significance. Last evaluated: 2016-02-16. Review status: criteria provided, single submitter. Criteria: GeneDx Variant Classification (06012015). Collection method: clinical testing. Allele origin: germline. Affected: yes.
Comment: This variant is denoted POLE c.73G>A at the cDNA level, p.Ala25Thr (A25T) at the protein level, and results in the change of an Alanine to a Threonine (GCC>ACC). This variant has not, to our knowledge, been published in the literature as pathogenic or benign. POLE Ala25Thr was not observed in approximately 6,500 individuals of European and African American ancestry in the NHLBI Exome Sequencing Project, suggesting it is not a common benign variant in these populations. Since Alanine and Threonine differ in polarity, charge, size or other properties, this is considered a non-conservative amino acid substitution. POLE Ala25Thr occurs at a position that is not conserved and is not located in a known functional domain (Tahirov 2009, Preston 2010). In silico analyses predict that this variant is unlikely to alter protein structure or function. Based on currently available evidence, it is unclear whether POLE Ala25Thr is a pathogenic or benign variant. We consider it to be a variant of uncertain significance.

NM_006231.4(POLE):c.73G>A (p.Ala25Thr)

Gene: POLE (DNA polymerase epsilon, catalytic subunit; minus strand). Cytogenetic location: 12q24.33.
Variant type: single nucleotide variant.
Coding change: c.73G>A on transcript NM_006231.4 (MANE Select); coding-DNA position 73, G replaced by A.
Protein change: p.Ala25Thr; replaces alanine 25 with threonine.
Molecular consequence: missense variant.
Genome position (GRCh38, 1-based): chr12:132,681,269, C>T on the plus strand (G>A on the coding strand, the complement: POLE is on the minus strand). VCF-style: chr12-132681269-C-T. GRCh37 (hg19) VCF-style: chr12-133257855-C-T.
Other names: short protein forms A25T.
Identifiers: ClinVar variation 246425 (VCV000246425.14), dbSNP rs773204331, ClinGen allele CA6894453.